The following is an entry in ClinVar:

ClinVar aggregate classification (germline): Uncertain significance (1 of 4 stars; one submission).

Conditions:
Autosomal recessive limb-girdle muscular dystrophy type 2J (LGMDR10). Also called: MUSCULAR DYSTROPHY, LIMB-GIRDLE, AUTOSOMAL RECESSIVE 10; Limb-girdle muscular dystrophy, type 2J. Identifiers: Orphanet 140922, MedGen C1837342, MONDO:0012127, OMIM 608807.
Dilated cardiomyopathy 1G (CMD1G). Identifiers: Orphanet 154, MedGen C1858763, MONDO:0011400, OMIM 604145.

Allele frequency attached by ClinVar (database versions not stated): gnomAD 0.00001; TOPMed 0.00001; 1000 Genomes Project 30x 0.00016; 1000 Genomes Project 0.00020.
gnomAD v4.1: 13 of 1,613,722 alleles (0.00081%); highest among the groups gnomAD compares: Admixed American, 0.0033%; no homozygotes.

Submission:

Labcorp Genetics (formerly Invitae), Labcorp
Classification: Uncertain significance for Dilated cardiomyopathy 1G; Autosomal recessive limb-girdle muscular dystrophy type 2J. Last evaluated: 2022-04-11. Review status: criteria provided, single submitter. Criteria: Invitae Variant Classification Sherloc (09022015). Collection method: clinical testing. Allele origin: germline.
Comment: This sequence change replaces proline, which is neutral and non-polar, with serine, which is neutral and polar, at codon 33656 of the TTN protein (p.Pro33656Ser). This variant is present in population databases (rs559295181, gnomAD 0.006%). This variant has not been reported in the literature in individuals affected with TTN-related conditions. Algorithms developed to predict the effect of missense changes on protein structure and function output the following: SIFT: "Not Available"; PolyPhen-2: "Not Available"; Align-GVGD: "Not Available". The serine amino acid residue is found in multiple mammalian species, which suggests that this missense change does not adversely affect protein function. This variant is located in the M band of TTN (PMID: 25589632). Variants in this region may be relevant for neuromuscular disorders, but have not been definitively shown to cause cardiomyopathy (PMID: 23975875). In summary, the available evidence is currently insufficient to determine the role of this variant in disease. Therefore, it has been classified as a Variant of Uncertain Significance.

Literature cited by the submitters: PubMed 25589632; PubMed 23975875.

NM_001267550.2(TTN):c.100966C>T (p.Pro33656Ser)

Genes: TTN-AS1 (TTN antisense RNA 1; plus strand), TTN (titin; minus strand). Cytogenetic location: 2q31.2.
Variant type: single nucleotide variant.
Coding change: c.100966C>T on transcript NM_001267550.2 (MANE Select); coding-DNA position 100966, C replaced by T.
Protein change: p.Pro33656Ser; replaces proline 33656 with serine.
Molecular consequence: missense variant.
Genome position (GRCh38, 1-based): chr2:178,535,649, G>A on the plus strand (C>T on the coding strand, the complement: TTN is on the minus strand). VCF-style: chr2-178535649-G-A. GRCh37 (hg19) VCF-style: chr2-179400376-G-A.
Other names: c.96043C>T, p.Pro32015Ser (NM_001256850.1); c.73771C>T, p.Pro24591Ser (NM_003319.4); c.93262C>T, p.Pro31088Ser (NM_133378.4); c.74146C>T, p.Pro24716Ser (NM_133432.3); c.74347C>T, p.Pro24783Ser (NM_133437.4); short protein forms P33656S, P24591S, P24783S, P32015S, P24716S, P31088S.
Identifiers: ClinVar variation 1405616 (VCV001405616.6), dbSNP rs559295181, ClinGen allele CA1985955.